The following is an entry in ClinVar:

ClinVar aggregate classification (germline): Likely benign (1 of 4 stars; one submission).

Allele frequency attached by ClinVar (database versions not stated): gnomAD exomes 0.00075; gnomAD 0.00678 and 0.00733; TOPMed 0.00758; 1000 Genomes Project 0.00859; 1000 Genomes Project 30x 0.00999.
gnomAD v4.1: 1,222 of 400,022 alleles (0.31%); highest among the groups gnomAD compares: African/African-American, 2.3%; 12 homozygotes.

Submission:

GeneDx
Classification: Likely benign. Last evaluated: 2018-06-14. Review status: criteria provided, single submitter. Criteria: GeneDx Variant Classification (06012015). Collection method: clinical testing. Allele origin: germline. Affected: yes.
Comment: This variant is considered likely benign or benign based on one or more of the following criteria: it is a conservative change, it occurs at a poorly conserved position in the protein, it is predicted to be benign by multiple in silico algorithms, and/or has population frequency not consistent with disease.

NM_001105206.3(LAMA4):c.1551+279G>A

Gene: LAMA4 (laminin subunit alpha 4; minus strand). Cytogenetic location: 6q21.
Variant type: single nucleotide variant.
Coding change: c.1551+279G>A on transcript NM_001105206.3 (MANE Select); 279 bases into the intron after coding-DNA position 1551, G replaced by A.
Molecular consequence: intron variant.
Genome position (GRCh38, 1-based): chr6:112,172,332, C>T on the plus strand (G>A on the coding strand, the complement: LAMA4 is on the minus strand). VCF-style: chr6-112172332-C-T. GRCh37 (hg19) VCF-style: chr6-112493534-C-T.
Other names: c.1530+279G>A (NM_002290.5, NM_001105207.3).
Identifiers: ClinVar variation 672723 (VCV000672723.1), dbSNP rs73766946, ClinGen allele CA144876349.